The following is an entry in ClinVar:

ClinVar aggregate classification (germline): Uncertain significance. Review status: criteria provided, multiple submitters, no conflicts (2 of 4 stars). 4 submissions from 4 submitters: Uncertain significance (4). Last evaluated 2026-01-05.

Conditions:
Imerslund-Grasbeck syndrome type 1 (IGS1). Also called: Megaloblastic anemia 1, Finnish type; MEGALOBLASTIC ANEMIA, 1; Imerslund-Gräsbeck syndrome 1. Identifiers: MedGen C4016819, MONDO:0100156, OMIM 261100.
Proteinuria, chronic benign. Identifiers: MedGen C5394384, MONDO:0030042, OMIM 618884.
Imerslund-Grasbeck syndrome. Also called: Megaloblastic anemia due to inborn errors of metabolism; Imerslund-Gräsbeck syndrome; ENTEROCYTE COBALAMIN MALABSORPTION; ENTEROCYTE INTRINSIC FACTOR RECEPTOR, DEFECT OF; PERNICIOUS ANEMIA, JUVENILE, DUE TO SELECTIVE INTESTINAL MALABSORPTION OF VITAMIN B12, WITH PROTEINURIA. Identifiers: Orphanet 35858, MedGen C4551825, MONDO:0009853.

Allele frequency attached by ClinVar (database versions not stated): 1000 Genomes Project 30x 0.00062; gnomAD 0.00069 and 0.00070; gnomAD exomes 0.00060 and 0.00103; ExAC 0.00062; 1000 Genomes Project 0.00080; ESP Exome Variant Server 0.00077; TOPMed 0.00063.
gnomAD v4.1: 1,606 of 1,612,358 alleles (0.1%); highest among the groups gnomAD compares: Non-Finnish European, 0.13%; no homozygotes.

Submissions (4):

Labcorp Genetics (formerly Invitae), Labcorp
Classification: Uncertain significance for Imerslund-Grasbeck syndrome. Last evaluated: 2026-01-05. Review status: criteria provided, single submitter. Criteria: Invitae Variant Classification Sherloc (09022015). Collection method: clinical testing. Allele origin: germline.
Comment: This sequence change replaces threonine, which is neutral and polar, with isoleucine, which is neutral and non-polar, at codon 2800 of the CUBN protein (p.Thr2800Ile). This variant is present in population databases (rs141737312, gnomAD 0.1%), and has an allele count higher than expected for a pathogenic variant. This variant has not been reported in the literature in individuals affected with CUBN-related conditions. ClinVar contains an entry for this variant (Variation ID: 299404). Invitae Evidence Modeling of protein sequence and biophysical properties (such as structural, functional, and spatial information, amino acid conservation, physicochemical variation, residue mobility, and thermodynamic stability) has been performed for this missense variant. However, the output from this modeling did not meet the statistical confidence thresholds required to predict the impact of this variant on CUBN protein function. In summary, the available evidence is currently insufficient to determine the role of this variant in disease. Therefore, it has been classified as a Variant of Uncertain Significance.

Fulgent Genetics
Classification: Uncertain significance for Imerslund-Grasbeck syndrome type 1; Proteinuria, chronic benign. Last evaluated: 2024-04-05. Review status: criteria provided, single submitter. Criteria: ACMG Guidelines, 2015. Collection method: clinical testing. Allele origin: germline.

Revvity Omics, Revvity
Classification: Uncertain significance. Last evaluated: 2019-07-25. Review status: criteria provided, single submitter. Criteria: ACMG Guidelines, 2015. Collection method: clinical testing. Allele origin: germline.

Illumina Laboratory Services, Illumina
Classification: Uncertain significance for Imerslund-Grasbeck syndrome type 1. Last evaluated: 2018-01-12. Review status: criteria provided, single submitter. Criteria: ICSL Variant Classification Criteria 13 December 2019. Collection method: clinical testing. Allele origin: germline.

NM_001081.4(CUBN):c.8399C>T (p.Thr2800Ile)

Gene: CUBN (cubilin; minus strand). Cytogenetic location: 10p13.
Variant type: single nucleotide variant.
Coding change: c.8399C>T on transcript NM_001081.4 (MANE Select); coding-DNA position 8399, C replaced by T.
Protein change: p.Thr2800Ile; replaces threonine 2800 with isoleucine.
Molecular consequence: missense variant.
Genome position (GRCh38, 1-based): chr10:16,900,636, G>A on the plus strand (C>T on the coding strand, the complement: CUBN is on the minus strand). VCF-style: chr10-16900636-G-A. GRCh37 (hg19) VCF-style: chr10-16942635-G-A.
Other names: short protein forms T2800I.
Identifiers: ClinVar variation 299404 (VCV000299404.13), dbSNP rs141737312, ClinGen allele CA5423055.